The following is an entry in ClinVar:

ClinVar aggregate classification (germline): Uncertain significance (1 of 4 stars; one submission).

Conditions:
Majeed syndrome (MJDS). Also called: LPIN2-Related Majeed Syndrome; CHRONIC RECURRENT MULTIFOCAL OSTEOMYELITIS 1, WITH CONGENITAL DYSERYTHROPOIETIC ANEMIA, WITH OR WITHOUT NEUTROPHILIC DERMATOSIS. Identifiers: Orphanet 77297, MedGen C1864997, MONDO:0012316, OMIM 609628.

Allele frequency attached by ClinVar (database versions not stated): gnomAD 0.00001.
gnomAD v4.1: 1 of 1,613,102 alleles (0.000062%); highest among the groups gnomAD compares: Admixed American, 0.0017%; no homozygotes.

Submission:

Labcorp Genetics (formerly Invitae), Labcorp
Classification: Uncertain significance for Majeed syndrome. Last evaluated: 2024-04-30. Review status: criteria provided, single submitter. Criteria: Invitae Variant Classification Sherloc (09022015). Collection method: clinical testing. Allele origin: germline.
Comment: This sequence change replaces threonine, which is neutral and polar, with alanine, which is neutral and non-polar, at codon 234 of the LPIN2 protein (p.Thr234Ala). This variant is not present in population databases (gnomAD no frequency). This variant has not been reported in the literature in individuals affected with LPIN2-related conditions. ClinVar contains an entry for this variant (Variation ID: 1933539). Algorithms developed to predict the effect of missense changes on protein structure and function output the following: SIFT: "Not Available"; PolyPhen-2: "Benign"; Align-GVGD: "Not Available". The alanine amino acid residue is found in multiple mammalian species, which suggests that this missense change does not adversely affect protein function. In summary, the available evidence is currently insufficient to determine the role of this variant in disease. Therefore, it has been classified as a Variant of Uncertain Significance.

NM_001375808.2(LPIN2):c.700A>G (p.Thr234Ala)

Gene: LPIN2 (lipin 2; minus strand). Cytogenetic location: 18p11.31.
Variant type: single nucleotide variant.
Coding change: c.700A>G on transcript NM_001375808.2 (MANE Select); coding-DNA position 700, A replaced by G.
Protein change: p.Thr234Ala; replaces threonine 234 with alanine.
Molecular consequence: missense variant.
Genome position (GRCh38, 1-based): chr18:2,939,602, T>C on the plus strand (A>G on the coding strand, the complement: LPIN2 is on the minus strand). VCF-style: chr18-2939602-T-C. GRCh37 (hg19) VCF-style: chr18-2939600-T-C.
Other names: c.700A>G, p.Thr234Ala (NM_001375809.1, NM_014646.2); short protein forms T234A.
Identifiers: ClinVar variation 1933539 (VCV001933539.5), dbSNP rs2077341639, ClinGen allele CA401707473.